The following is an entry in ClinVar:

ClinVar aggregate classification (germline): Uncertain significance. Review status: criteria provided, multiple submitters, no conflicts (2 of 4 stars). 6 submissions from 6 submitters: Uncertain significance (4). 2 of the submissions do not count toward it. Last evaluated 2025-09-15.

Conditions:
Hereditary breast ovarian cancer syndrome. Also called: BRCA1- and BRCA2-Associated Hereditary Breast and Ovarian Cancer; Hereditary breast and ovarian cancer syndrome; Hereditary breast and ovarian cancer syndrome (HBOC); Breast and ovarian cancer; Hereditary breast and/or ovarian cancer syndrome; Hereditary breast and ovarian cancer. Identifiers: Orphanet 145, MedGen C0677776, MeSH D061325, MONDO:0003582. Disease mechanism: loss of function.
Breast-ovarian cancer, familial, susceptibility to, 1 (BROVCA1). Also called: BRCA1 Hereditary Breast and Ovarian Cancer; OVARIAN CANCER, SUSCEPTIBILITY TO. Identifiers: Orphanet 145, MedGen C2676676, MONDO:0011450, OMIM 604370. Disease mechanism: loss of function.
Hereditary cancer-predisposing syndrome. Also called: Hereditary Cancer Syndrome; Hereditary neoplastic syndrome; Neoplastic Syndromes, Hereditary; Tumor predisposition. Identifiers: Orphanet 140162, MedGen C0027672, MeSH D009386, MONDO:0015356.

Allele frequency attached by ClinVar (database versions not stated): TOPMed 0.00001.

Submissions (6):

Labcorp Genetics (formerly Invitae), Labcorp
Classification: Uncertain significance for Hereditary breast ovarian cancer syndrome. Last evaluated: 2025-09-15. Review status: criteria provided, single submitter. Criteria: Invitae Variant Classification Sherloc (09022015). Collection method: clinical testing. Allele origin: germline.
Comment: This sequence change replaces methionine, which is neutral and non-polar, with isoleucine, which is neutral and non-polar, at codon 1628 of the BRCA1 protein (p.Met1628Ile). This variant is not present in population databases (gnomAD no frequency). This missense change has been observed in individual(s) with clinical features of BRCA1-related conditions (PMID: 10923033; internal data). ClinVar contains an entry for this variant (Variation ID: 55307). Invitae Evidence Modeling of protein sequence and biophysical properties (such as structural, functional, and spatial information, amino acid conservation, physicochemical variation, residue mobility, and thermodynamic stability) indicates that this missense variant is not expected to disrupt BRCA1 protein function with a negative predictive value of 95%. Experimental studies have shown that this missense change does not substantially affect BRCA1 function (PMID: 28781887). In summary, the available evidence is currently insufficient to determine the role of this variant in disease. Therefore, it has been classified as a Variant of Uncertain Significance.

Women's Health and Genetics/Laboratory Corporation of America, LabCorp
Classification: Uncertain significance. Last evaluated: 2025-06-30. Review status: criteria provided, single submitter. Criteria: LabCorp Variant Classification Summary - May 2015. Collection method: clinical testing. Allele origin: germline.
Comment: Variant summary: BRCA1 c.4884G>T (p.Met1628Ile) results in a conservative amino acid change in the encoded protein sequence. Algorithms developed to predict the effect of missense changes on protein structure and function all suggest that this variant is likely to be tolerated. The variant was absent in 251392 control chromosomes. The available data on variant occurrences in the general population are insufficient to allow any conclusion about variant significance. c.4884G>T has been observed in individual(s) affected with Hereditary Breast And Ovarian Cancer Syndrome (internal data). These report(s) do not provide unequivocal conclusions about association of the variant with Hereditary Breast And Ovarian Cancer Syndrome. At-least one co-occurrence with another pathogenic variant has been reported in the BIC database (BRCA2 c.9253_9254insA, HGVS c.9253dupA, p.Thr3085?fs, HGVS p.Thr3085Asnfs), providing supporting evidence for a benign role. At least two publications report experimental evidence evaluating an impact on protein function. These results showed no damaging effect of this variant in a transcriptional activation assay system resulting in a categorization as "non pathogenic", fClass 1 variant (example, Woods_2016, Fernandes_2019). The following publications have been ascertained in the context of this evaluation (PMID: 30765603, 28781887). ClinVar contains an entry for this variant (Variation ID: 55307). Based on the evidence outlined above, the variant was classified as VUS-possibly benign.

Ambry Genetics
Classification: Uncertain significance for Hereditary cancer-predisposing syndrome. Last evaluated: 2025-04-08. Review status: criteria provided, single submitter. Criteria: Ambry Variant Classification Scheme 2023. Collection method: clinical testing. Allele origin: germline.
Comment: The p.M1628I variant (also known as c.4884G>T), located in coding exon 14 of the BRCA1 gene, results from a G to T substitution at nucleotide position 4884. The methionine at codon 1628 is replaced by isoleucine, an amino acid with highly similar properties. Two separate transcription activation assays found that this variant had >80% activity relative to wildtype and was, thus, considered neutral (Woods NT et al. NPJ Genom Med, 2016 Mar;1:16001; Fernandes VC et al. J Biol Chem, 2019 Apr;294:5980-5992), however another functional study reported that this variant retained transcriptional activation activity, but had significantly reduced homologous recombination repair activity (Bassi N et al. BMC Cancer. 2023 Apr;23(1):368). This amino acid position is poorly conserved in available vertebrate species. In addition, this alteration is predicted to be tolerated by in silico analysis. Based on the available evidence, the clinical significance of this variant remains unclear.

All of Us Research Program, National Institutes of Health
Classification: Uncertain significance for Breast-ovarian cancer, familial, susceptibility to, 1. Last evaluated: 2023-06-27. Review status: criteria provided, single submitter. Criteria: ACMG Guidelines, 2015. Collection method: clinical testing. Allele origin: germline. Inheritance: Autosomal dominant inheritance. Observed: 1 variant allele, 1 heterozygote.
Comment: This missense variant replaces methionine with isoleucine at codon 1628 of the BRCA1 protein. Computational prediction is inconclusive regarding the impact of this variant on protein structure and function (internally defined REVEL score threshold 0.5 < inconclusive < 0.7, PMID: 27666373). A functional study has shown that this mutant protein has a neutral impact on transcriptional activity (PMID: 28781887). To our knowledge, this variant has not been reported in individuals affected with hereditary cancer in the literature. This variant has not been identified in the general population by the Genome Aggregation Database (gnomAD). The available evidence is insufficient to determine the role of this variant in disease conclusively. Therefore, this variant is classified as a Variant of Uncertain Significance.

This study involves interpretation of variants in research participants for the purpose of population health screening. Participant phenotype was not available at the time of variant classification. Additional details can be found in publication PMID: 35346344, PMCID: PMC8962531

Counsyl
Classification: Uncertain significance for Breast-ovarian cancer, familial, susceptibility to, 1. Last evaluated: 2016-09-21. Review status: no assertion criteria provided. Collection method: clinical testing. Allele origin: unknown. Not counted in ClinVar's aggregate classification.

Breast Cancer Information Core (BIC) (BRCA1)
Classification: Uncertain significance for Breast-ovarian cancer, familial 1. Last evaluated: 2004-02-20. Review status: no assertion criteria provided. Collection method: clinical testing. Allele origin: germline. Affected: yes. Observed: 1 variant allele. Not counted in ClinVar's aggregate classification.

Literature cited by the submitters: PubMed 10923033 (cited by Labcorp Genetics (formerly Invitae), Labcorp); PubMed 28781887 (cited by 4 submitters); PubMed 30765603 (cited by Women's Health and Genetics/Laboratory Corporation of America, LabCorp and Ambry Genetics); PubMed 37085799 (cited by Ambry Genetics).

NM_007294.4(BRCA1):c.4884G>T (p.Met1628Ile)

Gene: BRCA1 (BRCA1 DNA repair associated; minus strand). Cytogenetic location: 17q21.31.
Variant type: single nucleotide variant.
Coding change: c.4884G>T on transcript NM_007294.4 (MANE Select); coding-DNA position 4884, G replaced by T.
Protein change: p.Met1628Ile; replaces methionine 1628 with isoleucine.
Molecular consequence: missense variant. On other transcripts: non-coding transcript variant (1).
Genome position (GRCh38, 1-based): chr17:43,071,030, C>A on the plus strand (G>T on the coding strand, the complement: BRCA1 is on the minus strand). VCF-style: chr17-43071030-C-A. GRCh37 (hg19) VCF-style: chr17-41223047-C-A.
Other names: c.4878G>T, p.Met1626Ile (NM_001407628.1, NM_001407629.1, NM_001407630.1 and 14 more transcripts); c.4827G>T, p.Met1609Ile (NM_001407648.1); c.4824G>T, p.Met1608Ile (NM_001407649.1); c.4884G>T, p.Met1628Ile (NM_001407652.1, NM_001407605.1, NM_001407593.1 and 8 more transcripts); c.4806G>T, p.Met1602Ile (NM_001407653.1, NM_001407654.1, NM_001407655.1); c.4803G>T, p.Met1601Ile (NM_001407656.1, NM_001407657.1, NM_001407658.1); c.4800G>T, p.Met1600Ile (NM_001407659.1, NM_001407660.1, NM_001407661.1 and 2 more transcripts); c.4761G>T, p.Met1587Ile (NM_001407669.1, NM_001407664.1, NM_001407665.1 and 6 more transcripts); and 70 more; short protein forms M1628I, M1581I, M524I, M1649I, M1585I, M1608I, M1623I, M1625I.
Identifiers: ClinVar variation 55307 (VCV000055307.22), dbSNP rs80357158, ClinGen allele CA003063.
Genomic context (GRCh38, chr17:43,071,030, plus strand): 5'-TTTGTTGACCCTTTCTGTTGAAGCTGTCAATTCTGGCTTCTCCCTGCTCACACTTTCTTC[C>A]ATTGCATTATACCCAGCAGTATCAGTAGTATGAGCAGCAGCTGGACTCTGGGCAGATTCT-3'
Protein context (NP_009225.1, residues 1618-1638): HTTDTAGYNA[Met1628Ile]EESVSREKPE